The following is an entry in ClinVar:

ClinVar aggregate classification (germline): Conflicting classifications of pathogenicity. Review status: criteria provided, conflicting classifications (1 of 4 stars). 3 submissions from 3 submitters: Uncertain significance (1); Likely benign (2). Last evaluated 2026-05-13.

Conditions:
Inborn genetic diseases. Identifiers: MedGen C0950123, MeSH D030342.

Allele frequency attached by ClinVar (database versions not stated): gnomAD exomes below 0.00001 and 0.00001; ExAC 0.00001; gnomAD 0.00001; TOPMed 0.00001.
gnomAD v4.1: 9 of 1,614,108 alleles (0.00056%); highest among the groups gnomAD compares: Non-Finnish European, 0.00068%; no homozygotes.

Submissions (3):

Ambry Genetics
Classification: Uncertain significance for Inborn genetic diseases. Last evaluated: 2026-05-13. Review status: criteria provided, single submitter. Criteria: Ambry Variant Classification Scheme 2023. Collection method: clinical testing. Allele origin: germline.

Blueprint Genetics
Classification: Likely benign. Last evaluated: 2021-08-25. Review status: criteria provided, single submitter. Criteria: ACMG Guidelines, 2015. Collection method: clinical testing. Allele origin: germline.

GeneDx
Classification: Likely benign. Last evaluated: 2017-02-06. Review status: criteria provided, single submitter. Criteria: GeneDx Variant Classification (06012015). Collection method: clinical testing. Allele origin: germline. Affected: yes.
Comment: This variant is considered likely benign or benign based on one or more of the following criteria: it is a conservative change, it occurs at a poorly conserved position in the protein, it is predicted to be benign by multiple in silico algorithms, and/or has population frequency not consistent with disease.

NM_014795.4(ZEB2):c.1322T>G (p.Val441Gly)

Gene: ZEB2 (zinc finger E-box binding homeobox 2; minus strand). Cytogenetic location: 2q22.3.
Variant type: single nucleotide variant.
Coding change: c.1322T>G on transcript NM_014795.4 (MANE Select); coding-DNA position 1322, T replaced by G.
Protein change: p.Val441Gly; replaces valine 441 with glycine.
Molecular consequence: missense variant.
Genome position (GRCh38, 1-based): chr2:144,399,865, A>C on the plus strand (T>G on the coding strand, the complement: ZEB2 is on the minus strand). VCF-style: chr2-144399865-A-C. GRCh37 (hg19) VCF-style: chr2-145157432-A-C.
Other names: c.1250T>G, p.Val417Gly (NM_001171653.2); short protein forms V441G, V417G.
Identifiers: ClinVar variation 516113 (VCV000516113.3), dbSNP rs775301918, ClinGen allele CA1898350.
Genomic context (GRCh38, chr2:144,399,865, plus strand): 5'-TGTACCTCACTTAAATTACTATTCATGGTGGGAAACCCAAGTAAAGGGGCTTCCATCCCT[A>C]CACCTAAGTGCTGCATTGGACTCTGAGCAGATGGATGAACTCCTAAAGGGCTGGTGGCTC-3'
Protein context (NP_055610.1, residues 431-451): SAQSPMQHLG[Val441Gly]GMEAPLLGFP